The following is an entry in ClinVar:

NM_000267.3(NF1):c.7395-?_*3522+?dup

Gene: NF1 (neurofibromin 1; plus strand).
Variant type: Duplication.
Coding change: c.7395-?_*3522+?dup on transcript NM_000267.3.
Other names: c.7395-?_*3522+?dup (LRG_214t1).
Identifiers: ClinVar variation 237596 (VCV000237596.1).

ClinVar aggregate classification (germline): Uncertain significance (1 of 4 stars; one submission).

Conditions:
Neurofibromatosis, type 1 (NF1). Also called: VON RECKLINGHAUSEN DISEASE; NEUROFIBROMATOSIS, TYPE I, SOMATIC; Peripheral type neurofibromatosis; Neurofibromatosis, type I. Identifiers: Orphanet 636, MedGen C0027831, MONDO:0018975, OMIM 162200. Disease mechanism: loss of function.

Submission:

Labcorp Genetics (formerly Invitae), Labcorp
Classification: Uncertain significance for Neurofibromatosis, type 1. Last evaluated: 2016-01-16. Review status: criteria provided, single submitter. Criteria: Invitae Variant Classification Sherloc (09022015). Collection method: clinical testing. Allele origin: germline.
Comment: This variant is a gross duplication of the genomic region encompassing exons 50-57 of the NF1 gene. The 5' boundary is likely confined to intron 49. The 3' end of this event is unknown as it extends beyond the assayed region for this gene and therefore may encompass additional genes. While this sequence change has not been published in the literature, gross duplications in NF1 are known to be pathogenic (PMID: 26189818, 25631097). In summary, because the exact 3' boundary of this variant has not been determined, and whether this duplication occurs in tandem is not known, the impact of this duplication on NF1 protein function can not be unequivocally established. Therefore, it has been classified as a Variant of Uncertain Significance.